The following is an entry in ClinVar:

NM_000642.3(AGL):c.388C>T (p.Gln130Ter)

Gene: AGL (amylo-alpha-1,6-glucosidase and 4-alpha-glucanotransferase; plus strand). Cytogenetic location: 1p21.2.
Variant type: single nucleotide variant.
Coding change: c.388C>T on transcript NM_000642.3 (MANE Select); coding-DNA position 388, C replaced by T.
Protein change: p.Gln130Ter; replaces glutamine 130 with a stop codon.
Molecular consequence: nonsense.
Genome position (GRCh38, 1-based): chr1:99,862,351, C>T. VCF-style: chr1-99862351-C-T. GRCh37 (hg19) VCF-style: chr1-100327907-C-T.
Other names: c.388C>T, p.Gln130Ter (NM_000028.3, NM_000643.3, NM_000644.3 and 5 more transcripts); c.340C>T, p.Gln114Ter (NM_000646.3); short protein forms Q130*, Q114*.
Identifiers: ClinVar variation 2793982 (VCV002793982.3), dbSNP rs1223038627, ClinGen allele CA341331824.

ClinVar aggregate classification (germline): Pathogenic (1 of 4 stars; one submission).

Conditions:
Glycogen storage disease type III (GSD3). Also called: Cori disease; FORBES DISEASE. Identifiers: Orphanet 366, MedGen C0017922, MONDO:0009291, OMIM 232400.

Submission:

Labcorp Genetics (formerly Invitae), Labcorp
Classification: Pathogenic for Glycogen storage disease type III. Last evaluated: 2023-06-23. Review status: criteria provided, single submitter. Criteria: Invitae Variant Classification Sherloc (09022015). Collection method: clinical testing. Allele origin: germline.
Comment: This sequence change creates a premature translational stop signal (p.Gln130*) in the AGL gene. It is expected to result in an absent or disrupted protein product. Loss-of-function variants in AGL are known to be pathogenic (PMID: 19299494). This variant is present in population databases (no rsID available, gnomAD 0.0009%). This variant has not been reported in the literature in individuals affected with AGL-related conditions. For these reasons, this variant has been classified as Pathogenic.

Literature cited by the submitters: PubMed 19299494.